The following is an entry in ClinVar:

NM_058216.3(RAD51C):c.614T>G (p.Leu205Arg)

Genes: RAD51C (RAD51 paralog C; plus strand), LOC129390903 (MPRA-validated peak2919 silencer; plus strand). Cytogenetic location: 17q22.
Variant type: single nucleotide variant.
Coding change: c.614T>G on transcript NM_058216.3 (MANE Select); coding-DNA position 614, T replaced by G.
Protein change: p.Leu205Arg; replaces leucine 205 with arginine.
Molecular consequence: missense variant. On other transcripts: non-coding transcript variant (1).
Genome position (GRCh38, 1-based): chr17:58,703,238, T>G. VCF-style: chr17-58703238-T-G. GRCh37 (hg19) VCF-style: chr17-56780599-T-G.
Other names: short protein forms L205R.
Identifiers: ClinVar variation 3677801 (VCV003677801.2).

ClinVar aggregate classification (germline): Uncertain significance (1 of 4 stars; one submission).

Conditions:
Fanconi anemia complementation group O. Also called: RAD51C-Related Fanconi Anemia. Identifiers: Orphanet 84, MedGen C3150653, MONDO:0013248, OMIM 613390.

Submission:

Labcorp Genetics (formerly Invitae), Labcorp
Classification: Uncertain significance for Fanconi anemia complementation group O. Last evaluated: 2025-09-28. Review status: criteria provided, single submitter. Criteria: Invitae Variant Classification Sherloc (09022015). Collection method: clinical testing. Allele origin: germline.
Comment: This sequence change replaces leucine, which is neutral and non-polar, with arginine, which is basic and polar, at codon 205 of the RAD51C protein (p.Leu205Arg). This variant is not present in population databases (gnomAD no frequency). This variant has not been reported in the literature in individuals affected with RAD51C-related conditions. ClinVar contains an entry for this variant (Variation ID: 3677801). Invitae Evidence Modeling of protein sequence and biophysical properties (such as structural, functional, and spatial information, amino acid conservation, physicochemical variation, residue mobility, and thermodynamic stability) indicates that this missense variant is expected to disrupt RAD51C protein function with a positive predictive value of 80%. In summary, the available evidence is currently insufficient to determine the role of this variant in disease. Therefore, it has been classified as a Variant of Uncertain Significance.